The following is an entry in ClinVar:

NM_031206.7(LAS1L):c.1643C>G (p.Ser548Cys)

Gene: LAS1L (LAS1 like ribosome biogenesis factor; minus strand). Cytogenetic location: Xq12.
Variant type: single nucleotide variant.
Coding change: c.1643C>G on transcript NM_031206.7 (MANE Select); coding-DNA position 1643, C replaced by G.
Protein change: p.Ser548Cys; replaces serine 548 with cysteine.
Molecular consequence: missense variant. On other transcripts: non-coding transcript variant (1).
Genome position (GRCh38, 1-based): chrX:65,518,271, G>C on the plus strand (C>G on the coding strand, the complement: LAS1L is on the minus strand). VCF-style: chrX-65518271-G-C. GRCh37 (hg19) VCF-style: chrX-64738151-G-C.
Other names: c.1592C>G, p.Ser531Cys (NM_001170649.2, NM_001375333.1); c.1466C>G, p.Ser489Cys (NM_001170650.2); c.1643C>G, p.Ser548Cys (NM_001375328.1); c.686C>G, p.Ser229Cys (NM_001375332.1); short protein forms S229C, S489C, S531C, S548C.
Identifiers: ClinVar variation 3375198 (VCV003375198.1).

ClinVar aggregate classification (germline): Uncertain significance (1 of 4 stars; one submission).

Submission:

Women's Health and Genetics/Laboratory Corporation of America, LabCorp
Classification: Uncertain significance. Last evaluated: 2024-09-25. Review status: criteria provided, single submitter. Criteria: LabCorp Variant Classification Summary - May 2015. Collection method: clinical testing. Allele origin: germline.
Comment: Variant summary: LAS1L c.1643C>G (p.Ser548Cys) results in a non-conservative amino acid change in the encoded protein sequence. Three of five in-silico tools predict a benign effect of the variant on protein function. The variant was absent in 183242 control chromosomes. The available data on variant occurrences in the general population are insufficient to allow any conclusion about variant significance. To our knowledge, no occurrence of c.1643C>G in individuals affected with Intellectual Developmental Disorder, X-Linked, Syndromic, Wilson-Turner Type and no experimental evidence demonstrating its impact on protein function have been reported. No submitters have cited clinical-significance assessments for this variant to ClinVar. Based on the evidence outlined above, the variant was classified as uncertain significance.